The following is an entry in ClinVar:

NM_001035.3(RYR2):c.14604T>G (p.Asp4868Glu)

Gene: RYR2 (ryanodine receptor 2; plus strand). Cytogenetic location: 1q43.
Variant type: single nucleotide variant.
Coding change: c.14604T>G on transcript NM_001035.3 (MANE Select); coding-DNA position 14604, T replaced by G.
Protein change: p.Asp4868Glu; replaces aspartic acid 4868 with glutamic acid.
Molecular consequence: missense variant.
Genome position (GRCh38, 1-based): chr1:237,828,394, T>G. VCF-style: chr1-237828394-T-G. GRCh37 (hg19) VCF-style: chr1-237991694-T-G.
Other names: short protein forms D4868E.
Identifiers: ClinVar variation 2696727 (VCV002696727.3), dbSNP rs2528437989, ClinGen allele CA345429274.

ClinVar aggregate classification (germline): Uncertain significance (1 of 4 stars; one submission).

Conditions:
Catecholaminergic polymorphic ventricular tachycardia 1. Also called: VENTRICULAR TACHYCARDIA, CATECHOLAMINERGIC POLYMORPHIC, 1, WITH OR WITHOUT ATRIAL DYSFUNCTION AND/OR DILATED CARDIOMYOPATHY; VENTRICULAR TACHYCARDIA, STRESS-INDUCED POLYMORPHIC 1; RYR2-Related Catecholaminergic Polymorphic Ventricular Tachycardia. Identifiers: Orphanet 3286, MedGen C1631597, MONDO:0011484, OMIM 604772.

Submission:

Labcorp Genetics (formerly Invitae), Labcorp
Classification: Uncertain significance for Catecholaminergic polymorphic ventricular tachycardia 1. Last evaluated: 2023-11-17. Review status: criteria provided, single submitter. Criteria: Invitae Variant Classification Sherloc (09022015). Collection method: clinical testing. Allele origin: germline.
Comment: This sequence change replaces aspartic acid, which is acidic and polar, with glutamic acid, which is acidic and polar, at codon 4868 of the RYR2 protein (p.Asp4868Glu). This variant is not present in population databases (gnomAD no frequency). This variant has not been reported in the literature in individuals affected with RYR2-related conditions. Advanced modeling of protein sequence and biophysical properties (such as structural, functional, and spatial information, amino acid conservation, physicochemical variation, residue mobility, and thermodynamic stability) performed at Invitae indicates that this missense variant is expected to disrupt RYR2 protein function with a positive predictive value of 95%. In summary, the available evidence is currently insufficient to determine the role of this variant in disease. Therefore, it has been classified as a Variant of Uncertain Significance.